The following is an entry in ClinVar:

ClinVar aggregate classification (germline): Uncertain significance. Review status: criteria provided, multiple submitters, no conflicts (2 of 4 stars). 3 submissions from 3 submitters: Uncertain significance (3). Last evaluated 2026-02-17.

Conditions:
Hereditary diffuse gastric adenocarcinoma (HDGC). Also called: DIFFUSE GASTRIC AND LOBULAR BREAST CANCER SYNDROME. Identifiers: Orphanet 26106, MedGen C1708349, MONDO:0007648, OMIM 137215.
Hereditary cancer-predisposing syndrome. Also called: Neoplastic Syndromes, Hereditary; Tumor predisposition; Hereditary neoplastic syndrome; Hereditary Cancer Syndrome. Identifiers: Orphanet 140162, MedGen C0027672, MeSH D009386, MONDO:0015356.

Allele frequency attached by ClinVar (database versions not stated): TOPMed below 0.00001.

Submissions (3):

Ambry Genetics
Classification: Uncertain significance for Hereditary cancer-predisposing syndrome. Last evaluated: 2026-02-17. Review status: criteria provided, single submitter. Criteria: Ambry Variant Classification Scheme 2023. Collection method: clinical testing. Allele origin: germline.

Labcorp Genetics (formerly Invitae), Labcorp
Classification: Uncertain significance for Hereditary diffuse gastric adenocarcinoma. Last evaluated: 2025-04-21. Review status: criteria provided, single submitter. Criteria: Invitae Variant Classification Sherloc (09022015). Collection method: clinical testing. Allele origin: germline.
Comment: This sequence change replaces leucine, which is neutral and non-polar, with methionine, which is neutral and non-polar, at codon 220 of the CDH1 protein (p.Leu220Met). This variant is not present in population databases (gnomAD no frequency). This variant has not been reported in the literature in individuals affected with CDH1-related conditions. ClinVar contains an entry for this variant (Variation ID: 406666). An algorithm developed to predict the effect of missense changes on protein structure and function (PolyPhen-2) suggests that this variant is likely to be disruptive. In summary, the available evidence is currently insufficient to determine the role of this variant in disease. Therefore, it has been classified as a Variant of Uncertain Significance.

Sema4
Classification: Uncertain significance for Hereditary cancer-predisposing syndrome. Last evaluated: 2022-01-06. Review status: criteria provided, single submitter. Criteria: Sema4 Curation Guidelines. Collection method: curation. Allele origin: germline.
Comment: The CDH1 c.658C>A (p.L220M) variant has not been reported in the literature to our knowledge. It was not observed in the large and broad cohorts of the Genome Aggregation Database (PMID: 32461654). The variant has been reported in ClinVar (Variation ID 406666). Functional studies have not been performed, and in silico predictions of the variant's effect on protein function are inconclusive. The evidence is insufficient to meet ACMG/AMP criteria for classifying the variant as benign or pathogenic. Thus, the clinical significance of this variant is currently uncertain.

NM_004360.5(CDH1):c.658C>A (p.Leu220Met)

Gene: CDH1 (cadherin 1; plus strand). Cytogenetic location: 16q22.1.
Variant type: single nucleotide variant.
Coding change: c.658C>A on transcript NM_004360.5 (MANE Select); coding-DNA position 658, C replaced by A.
Protein change: p.Leu220Met; replaces leucine 220 with methionine.
Molecular consequence: missense variant. On other transcripts: 5 prime UTR variant (2).
Genome position (GRCh38, 1-based): chr16:68,808,819, C>A. VCF-style: chr16-68808819-C-A. GRCh37 (hg19) VCF-style: chr16-68842722-C-A.
Other names: c.658C>A, p.Leu220Met (NM_001317184.2); c.-958C>A (NM_001317185.2); c.-1162C>A (NM_001317186.2); c.658C>A (LRG_301t1); short protein forms L220M.
Identifiers: ClinVar variation 406666 (VCV000406666.8), dbSNP rs1060501246, ClinGen allele CA16615226.